The following is an entry in ClinVar:

ClinVar aggregate classification (germline): Uncertain significance (1 of 4 stars; one submission).

Allele frequency attached by ClinVar (database versions not stated): gnomAD exomes below 0.00001.

Submission:

Labcorp Genetics (formerly Invitae), Labcorp
Classification: Uncertain significance. Last evaluated: 2022-04-09. Review status: criteria provided, single submitter. Criteria: Invitae Variant Classification Sherloc (09022015). Collection method: clinical testing. Allele origin: germline.
Comment: This sequence change replaces leucine, which is neutral and non-polar, with proline, which is neutral and non-polar, at codon 924 of the PCARE protein (p.Leu924Pro). This variant is not present in population databases (gnomAD no frequency). This variant has not been reported in the literature in individuals affected with PCARE-related conditions. Algorithms developed to predict the effect of missense changes on protein structure and function output the following: SIFT: "Deleterious"; PolyPhen-2: "Benign"; Align-GVGD: "Class C65". The proline amino acid residue is found in multiple mammalian species, which suggests that this missense change does not adversely affect protein function. In summary, the available evidence is currently insufficient to determine the role of this variant in disease. Therefore, it has been classified as a Variant of Uncertain Significance.

NM_001029883.3(PCARE):c.2771T>C (p.Leu924Pro)

Gene: PCARE (photoreceptor cilium actin regulator; minus strand). Cytogenetic location: 2p23.2.
Variant type: single nucleotide variant.
Coding change: c.2771T>C on transcript NM_001029883.3 (MANE Select); coding-DNA position 2771, T replaced by C.
Protein change: p.Leu924Pro; replaces leucine 924 with proline.
Molecular consequence: missense variant.
Genome position (GRCh38, 1-based): chr2:29,071,491, A>G on the plus strand (T>C on the coding strand, the complement: PCARE is on the minus strand). VCF-style: chr2-29071491-A-G. GRCh37 (hg19) VCF-style: chr2-29294357-A-G.
Other names: short protein forms L924P.
Identifiers: ClinVar variation 1948234 (VCV001948234.2), dbSNP rs1572826910, ClinGen allele CA346476468.